The following is an entry in ClinVar:

ClinVar aggregate classification (germline): Uncertain significance (1 of 4 stars; one submission).

Submission:

Labcorp Genetics (formerly Invitae), Labcorp
Classification: Uncertain significance. Last evaluated: 2023-10-03. Review status: criteria provided, single submitter. Criteria: Invitae Variant Classification Sherloc (09022015). Collection method: clinical testing. Allele origin: germline.
Comment: This variant, c.1061_1063dup, results in the insertion of 1 amino acid(s) of the GPR179 protein (p.Leu354dup), but otherwise preserves the integrity of the reading frame. This variant is present in population databases (rs748009538, gnomAD 0.01%). This variant has not been reported in the literature in individuals affected with GPR179-related conditions. Experimental studies and prediction algorithms are not available or were not evaluated, and the functional significance of this variant is currently unknown. In summary, the available evidence is currently insufficient to determine the role of this variant in disease. Therefore, it has been classified as a Variant of Uncertain Significance.

NM_001004334.4(GPR179):c.1058TGC[3] (p.Leu354dup)

Gene: GPR179 (G protein-coupled receptor 179; minus strand). Cytogenetic location: 17q12.
Variant type: Microsatellite.
Coding change: c.1058TGC[3] on transcript NM_001004334.4 (MANE Select); three copies in a row of the 3-base unit TGC starting at c.1058; the reference has two copies in a row; one copy, 3 bases duplicated.
Protein change: p.Leu354dup; duplicates leucine 354.
Molecular consequence: inframe insertion.
Genome position (GRCh38, 1-based): chr17:38,337,142-38,337,144, GCA duplicated on the plus strand (TGC on the coding strand, the reverse complement: GPR179 is on the minus strand); duplicating any 3 consecutive bases within chr17:38,337,142-38,337,148 gives the same sequence; the position shown is the placement nearest the transcript's 3' end. VCF-style (leftmost placement, unchanged base first): chr17-38337141-T-TGCA. GRCh37 (hg19) VCF-style: chr17-36493024-T-TGCA.
Identifiers: ClinVar variation 1379033 (VCV001379033.8), dbSNP rs748009538, ClinGen allele CA290109418.